The following is an entry in ClinVar:

ClinVar aggregate classification (germline): Uncertain significance (1 of 4 stars; one submission).

Conditions:
Inborn genetic diseases. Identifiers: MedGen C0950123, MeSH D030342.

Submission:

Ambry Genetics
Classification: Uncertain significance for Inborn genetic diseases. Last evaluated: 2025-12-21. Review status: criteria provided, single submitter. Criteria: Ambry Variant Classification Scheme 2023. Collection method: clinical testing. Allele origin: germline.
Comment: The p.M1323V variant (also known as c.3967A>G), located in coding exon 13 of the ASXL1 gene, results from an A to G substitution at nucleotide position 3967. The methionine at codon 1323 is replaced by valine, an amino acid with highly similar properties. This amino acid position is conserved. In addition, this alteration is predicted to be tolerated by in silico analysis. Based on the available evidence, the clinical significance of this variant remains unclear.

NM_015338.6(ASXL1):c.3967A>G (p.Met1323Val)

Gene: ASXL1 (ASXL transcriptional regulator 1; plus strand). Cytogenetic location: 20q11.21.
Variant type: single nucleotide variant.
Coding change: c.3967A>G on transcript NM_015338.6 (MANE Select); coding-DNA position 3967, A replaced by G.
Protein change: p.Met1323Val; replaces methionine 1323 with valine.
Molecular consequence: missense variant.
Genome position (GRCh38, 1-based): chr20:32,436,679, A>G. VCF-style: chr20-32436679-A-G. GRCh37 (hg19) VCF-style: chr20-31024482-A-G.
Other names: c.3784A>G, p.Met1262Val (NM_001363734.1); short protein forms M1262V, M1323V.
Identifiers: ClinVar variation 4843641 (VCV004843641.1).